The following is an entry in ClinVar:

NM_001378454.1(ALMS1):c.8074A>G (p.Lys2692Glu)

Gene: ALMS1 (ALMS1 centrosome and basal body associated protein; plus strand). Cytogenetic location: 2p13.1.
Variant type: single nucleotide variant.
Coding change: c.8074A>G on transcript NM_001378454.1 (MANE Select); coding-DNA position 8074, A replaced by G.
Protein change: p.Lys2692Glu; replaces lysine 2692 with glutamic acid.
Molecular consequence: missense variant.
Genome position (GRCh38, 1-based): chr2:73,490,033, A>G. VCF-style: chr2-73490033-A-G. GRCh37 (hg19) VCF-style: chr2-73717160-A-G.
Other names: c.8077A>G, p.Lys2693Glu (NM_015120.4); short protein forms K2693E, K2692E.
Identifiers: ClinVar variation 554109 (VCV000554109.17), dbSNP rs201025991, ClinGen allele CA1714396.

ClinVar aggregate classification (germline): Uncertain significance. Review status: criteria provided, multiple submitters, no conflicts (2 of 4 stars). 7 submissions from 7 submitters: Uncertain significance (5). 2 of the submissions do not count toward it. Last evaluated 2026-02-04.

Conditions:
Cardiovascular phenotype. Identifiers: MedGen CN230736.
Alstrom syndrome (ALMS). Identifiers: Orphanet 64, MedGen C0268425, MONDO:0008763, OMIM 203800.

Allele frequency attached by ClinVar (database versions not stated): ExAC 0.00002; gnomAD 0.00004; gnomAD exomes 0.00004; TOPMed 0.00005; ESP Exome Variant Server 0.00017.
gnomAD v4.1: 56 of 1,614,058 alleles (0.0035%); highest among the groups gnomAD compares: Non-Finnish European, 0.0042%; no homozygotes.

Submissions (7):

GeneDx
Classification: Uncertain significance. Last evaluated: 2026-02-04. Review status: criteria provided, single submitter. Criteria: GeneDx Variant Classification Process June 2021. Collection method: clinical testing. Allele origin: germline. Affected: yes.
Comment: Not observed at significant frequency in large population cohorts (gnomAD); In silico analysis suggests that this missense variant does not alter protein structure/function; Has not been previously published as pathogenic or benign to our knowledge

Clinical Genomics Laboratory, Stanford Medicine
Classification: Uncertain significance for Alstrom syndrome. Last evaluated: 2023-07-25. Review status: criteria provided, single submitter. Criteria: ACMG Guidelines, 2015. Collection method: clinical testing. Allele origin: germline. Observed: 1 variant allele, 1 heterozygote.
Comment: The p.Lys2693Glu variant in the ALMS1 gene has not been previously reported in association with disease. This variant has been identified in 7/128698 European (non-Finnish) chromosomes (10/280950 chromosomes overall) by the Genome Aggregation Database. Previously reported disease-causing variants in ALMS1 have been primarily truncating variants, whereas this variant results in a single amino acid substitution. The significance of this type of variation in the ALMS1 gene is currently unclear. Computational tools predict that this variant is neither deleterious nor benign; however, the accuracy of in silico algorithms is limited. These data were assessed using the ACMG/AMP variant interpretation guidelines. In summary, the significance of the p.Lys2693Glu variant is uncertain. Additional information is needed to resolve the significance of this variant. [ACMG evidence codes used: PM2; BP1]

Ambry Genetics
Classification: Uncertain significance for Cardiovascular phenotype. Last evaluated: 2023-06-05. Review status: criteria provided, single submitter. Criteria: Ambry Variant Classification Scheme 2023. Collection method: clinical testing. Allele origin: germline.
Comment: The p.K2693E variant (also known as c.8077A>G), located in coding exon 10 of the ALMS1 gene, results from an A to G substitution at nucleotide position 8077. The lysine at codon 2693 is replaced by glutamic acid, an amino acid with similar properties. This amino acid position is not well conserved in available vertebrate species. In addition, the in silico prediction for this alteration is inconclusive. Since supporting evidence is limited at this time, the clinical significance of this alteration remains unclear.

Labcorp Genetics (formerly Invitae), Labcorp
Classification: Uncertain significance for Alstrom syndrome. Last evaluated: 2022-09-03. Review status: criteria provided, single submitter. Criteria: Invitae Variant Classification Sherloc (09022015). Collection method: clinical testing. Allele origin: germline.
Comment: This sequence change replaces lysine, which is basic and polar, with glutamic acid, which is acidic and polar, at codon 2693 of the ALMS1 protein (p.Lys2693Glu). This variant is present in population databases (rs201025991, gnomAD 0.008%). This variant has not been reported in the literature in individuals affected with ALMS1-related conditions. ClinVar contains an entry for this variant (Variation ID: 554109). Experimental studies and prediction algorithms are not available or were not evaluated, and the functional significance of this variant is currently unknown. In summary, the available evidence is currently insufficient to determine the role of this variant in disease. Therefore, it has been classified as a Variant of Uncertain Significance.

Fulgent Genetics
Classification: Uncertain significance for Alstrom syndrome. Last evaluated: 2021-09-29. Review status: criteria provided, single submitter. Criteria: ACMG Guidelines, 2015. Collection method: clinical testing. Allele origin: unknown.

Natera, Inc.
Classification: Uncertain significance for Alstrom syndrome. Last evaluated: 2021-07-07. Review status: no assertion criteria provided. Collection method: clinical testing. Allele origin: germline. Not counted in ClinVar's aggregate classification.

Counsyl
Classification: Uncertain significance for Alstrom syndrome. Last evaluated: 2017-09-26. Review status: no assertion criteria provided. Collection method: clinical testing. Allele origin: unknown. Not counted in ClinVar's aggregate classification.